The following is an entry in ClinVar:

ClinVar aggregate classification (germline): Conflicting classifications of pathogenicity. Review status: criteria provided, conflicting classifications (1 of 4 stars). 4 submissions from 4 submitters: Uncertain significance (2); Likely benign (2). Last evaluated 2026-06-30.

Conditions:
GRN-related frontotemporal lobar degeneration with Tdp43 inclusions (FTD2). Also called: FRONTOTEMPORAL LOBAR DEGENERATION WITH UBIQUITIN-POSITIVE INCLUSIONS; FTLD-TDP, GRN-RELATED; GRN Frontotemporal Dementia; DEMENTIA, HEREDITARY DYSPHASIC DISINHIBITION; FRONTOTEMPORAL DEMENTIA WITH TDP43 INCLUSIONS, GRN-RELATED. Identifiers: Orphanet 100070, Orphanet 282, MedGen C1843792, MONDO:0011842, OMIM 607485. Disease mechanism: loss of function.
Neuronal ceroid lipofuscinosis 11. Also called: GRN-Related Neuronal Ceroid-Lipofuscinosis. Identifiers: Orphanet 314629, Orphanet 79262, MedGen C3539123, MONDO:0013866, OMIM 614706.

Allele frequency attached by ClinVar (database versions not stated): TOPMed 0.00006; gnomAD 0.00007 and 0.00006; 1000 Genomes Project 30x 0.00016; 1000 Genomes Project 0.00020.
gnomAD v4.1: 86 of 1,611,904 alleles (0.0053%); highest among the groups gnomAD compares: South Asian, 0.018%; no homozygotes.

Submissions (4):

GeneDx
Classification: Uncertain significance. Last evaluated: 2026-06-30. Review status: criteria provided, single submitter. Criteria: GeneDx Variant Classification Process June 2021. Collection method: clinical testing. Allele origin: germline.
Comment: Observed as heterozygous variant in patient with behavioral variant frontotemporal dementia in published literature (PMID: 34162492); Observed as heterozygous variant in patient with rapidly progressive dementia with Lewy bodies in published literature; however, another variant in another gene was also identified (PMID: 39256877); In silico analysis suggests that this missense variant does not alter protein structure/function; This variant is associated with the following publications: (PMID: 34162492, 39256877)

Labcorp Genetics (formerly Invitae), Labcorp
Classification: Uncertain significance for Neuronal ceroid lipofuscinosis 11; GRN-related frontotemporal lobar degeneration with Tdp43 inclusions. Last evaluated: 2025-08-15. Review status: criteria provided, single submitter. Criteria: Invitae Variant Classification Sherloc (09022015). Collection method: clinical testing. Allele origin: germline.
Comment: This sequence change replaces valine, which is neutral and non-polar, with methionine, which is neutral and non-polar, at codon 90 of the GRN protein (p.Val90Met). This variant is present in population databases (rs200019356, gnomAD 0.02%). This missense change has been observed in individual(s) with autosomal dominant behavioral variant frontotemporal dementia (PMID: 34162492). ClinVar contains an entry for this variant (Variation ID: 664301). An algorithm developed to predict the effect of missense changes on protein structure and function outputs the following: PolyPhen-2: "Benign". The methionine amino acid residue is found in multiple mammalian species, which suggests that this missense change does not adversely affect protein function. In summary, the available evidence is currently insufficient to determine the role of this variant in disease. Therefore, it has been classified as a Variant of Uncertain Significance.

Laboratory of Genetics, Children's Clinical University Hospital Latvia
Classification: Likely benign. Last evaluated: 2025-02-16. Review status: criteria provided, single submitter. Criteria: ACMG Guidelines, 2015. Collection method: clinical testing. Allele origin: germline. Affected: yes.

Illumina Laboratory Services, Illumina
Classification: Likely benign for GRN-related frontotemporal lobar degeneration with Tdp43 inclusions. Last evaluated: 2018-01-13. Review status: criteria provided, single submitter. Criteria: ICSL Variant Classification Criteria 13 December 2019. Collection method: clinical testing. Allele origin: germline.
Comment: This variant was observed in the ICSL laboratory as part of a predisposition screen in an ostensibly healthy population. It had not been previously curated by ICSL or reported in the Human Gene Mutation Database (HGMD: prior to June 1st, 2018), and was therefore a candidate for classification through an automated scoring system. Utilizing variant allele frequency, disease prevalence and penetrance estimates, and inheritance mode, an automated score was calculated to assess if this variant is too frequent to cause the disease. Based on the score and internal cut-off values, a variant classified as likely benign is not then subjected to further curation. The score for this variant resulted in a classification of likely benign for this disease.

Literature cited by the submitters: PubMed 34162492 (cited by Labcorp Genetics (formerly Invitae), Labcorp).

NM_002087.4(GRN):c.268G>A (p.Val90Met)

Gene: GRN (granulin precursor; plus strand). Cytogenetic location: 17q21.31.
Variant type: single nucleotide variant.
Coding change: c.268G>A on transcript NM_002087.4 (MANE Select); coding-DNA position 268, G replaced by A.
Protein change: p.Val90Met; replaces valine 90 with methionine.
Molecular consequence: missense variant.
Genome position (GRCh38, 1-based): chr17:44,349,670, G>A. VCF-style: chr17-44349670-G-A. GRCh37 (hg19) VCF-style: chr17-42427038-G-A.
Other names: short protein forms V90M.
Identifiers: ClinVar variation 664301 (VCV000664301.15), dbSNP rs200019356, ClinGen allele CA8601821.
Genomic context (GRCh38, chr17:44,349,670, plus strand): 5'-CTCTACCACCTGCAGATAAAAGGGCCCTGCCAATGCAGGTTTCTCTGTGTTCCACAGGCC[G>A]TGGCATGCGGGGATGGCCATCACTGCTGCCCACGGGGCTTCCACTGCAGTGCAGACGGGC-3'
Protein context (NP_002078.1, residues 80-100): TSSCCPFPEA[Val90Met]ACGDGHHCCP